The following is an entry in ClinVar:

ClinVar aggregate classification (germline): Benign/Likely benign. Review status: criteria provided, multiple submitters, no conflicts (2 of 4 stars). 3 submissions from 3 submitters: Benign (1); Likely benign (1). 1 of the submissions does not count toward it. Last evaluated 2025-02-26.

Conditions:
VARS2-related disorder. Also called: VARS2-related condition; VARS2-related disorders.

Allele frequency attached by ClinVar (database versions not stated): gnomAD exomes 0.00002 and 0.00013; TOPMed 0.00005; gnomAD 0.00008; ExAC 0.00012; 1000 Genomes Project 30x 0.00016; 1000 Genomes Project 0.00020.
gnomAD v4.1: 45 of 1,607,198 alleles (0.0028%); highest among the groups gnomAD compares: East Asian, 0.094%; 1 homozygote.

Submissions (3):

Labcorp Genetics (formerly Invitae), Labcorp
Classification: Benign. Last evaluated: 2025-02-26. Review status: criteria provided, single submitter. Criteria: Invitae Variant Classification Sherloc (09022015). Collection method: clinical testing. Allele origin: germline.

GeneDx
Classification: Likely benign. Last evaluated: 2021-04-07. Review status: criteria provided, single submitter. Criteria: GeneDx Variant Classification Process June 2021. Collection method: clinical testing. Allele origin: germline. Affected: yes.

PreventionGenetics, part of Exact Sciences
Classification: Likely benign for VARS2-related condition. Last evaluated: 2019-08-09. Review status: no assertion criteria provided. Collection method: clinical testing. Allele origin: germline. Not counted in ClinVar's aggregate classification.
Comment: This variant is classified as likely benign based on ACMG/AMP sequence variant interpretation guidelines (Richards et al. 2015 PMID: 25741868, with internal and published modifications).

NM_020442.6(VARS2):c.1933-4C>T

Genes: VARS2 (valyl-tRNA synthetase 2, mitochondrial; plus strand), LOC126859646 (MED14-independent group 3 enhancer GRCh37_chr6:30889690-30890889; plus strand). Cytogenetic location: 6p21.33.
Variant type: single nucleotide variant.
Coding change: c.1933-4C>T on transcript NM_020442.6 (MANE Select); 4 bases into the intron before coding-DNA position 1933, C replaced by T.
Molecular consequence: intron variant.
Genome position (GRCh38, 1-based): chr6:30,922,446, C>T. VCF-style: chr6-30922446-C-T. GRCh37 (hg19) VCF-style: chr6-30890223-C-T.
Other names: c.2023-4C>T (NM_001167734.1, NM_001167734.2); c.1513-4C>T (NM_001167733.3).
Identifiers: ClinVar variation 1300699 (VCV001300699.11), dbSNP rs546690497, ClinGen allele CA3706107.